The following is an entry in ClinVar:

ClinVar aggregate classification (germline): Uncertain significance (1 of 4 stars; one submission).

Conditions:
Neurofibromatosis, type 1 (NF1). Also called: VON RECKLINGHAUSEN DISEASE; Peripheral type neurofibromatosis; NEUROFIBROMATOSIS, TYPE I, SOMATIC; Neurofibromatosis, type I. Identifiers: Orphanet 636, MedGen C0027831, MONDO:0018975, OMIM 162200. Disease mechanism: loss of function.

Submission:

Labcorp Genetics (formerly Invitae), Labcorp
Classification: Uncertain significance for Neurofibromatosis, type 1. Last evaluated: 2024-11-24. Review status: criteria provided, single submitter. Criteria: Invitae Variant Classification Sherloc (09022015). Collection method: clinical testing. Allele origin: germline.
Comment: This sequence change replaces lysine, which is basic and polar, with arginine, which is basic and polar, at codon 2643 of the NF1 protein (p.Lys2643Arg). This variant is not present in population databases (gnomAD no frequency). This variant has not been reported in the literature in individuals affected with NF1-related conditions. Invitae Evidence Modeling of protein sequence and biophysical properties (such as structural, functional, and spatial information, amino acid conservation, physicochemical variation, residue mobility, and thermodynamic stability) has been performed for this missense variant. However, the output from this modeling did not meet the statistical confidence thresholds required to predict the impact of this variant on NF1 protein function. In summary, the available evidence is currently insufficient to determine the role of this variant in disease. Therefore, it has been classified as a Variant of Uncertain Significance.

NM_001042492.3(NF1):c.7991A>G (p.Lys2664Arg)

Gene: NF1 (neurofibromin 1; plus strand). Cytogenetic location: 17q11.2.
Variant type: single nucleotide variant.
Coding change: c.7991A>G on transcript NM_001042492.3 (MANE Select); coding-DNA position 7991, A replaced by G.
Protein change: p.Lys2664Arg; replaces lysine 2664 with arginine.
Molecular consequence: missense variant.
Genome position (GRCh38, 1-based): chr17:31,358,500, A>G. VCF-style: chr17-31358500-A-G. GRCh37 (hg19) VCF-style: chr17-29685518-A-G.
Other names: c.7928A>G, p.Lys2643Arg (NM_000267.4); short protein forms K2643R, K2664R.
Identifiers: ClinVar variation 3634608 (VCV003634608.2).